The following is an entry in ClinVar:

NM_138694.4(PKHD1):c.9329dup (p.Cys3111fs)

Gene: PKHD1 (PKHD1 ciliary IPT domain containing fibrocystin/polyductin; minus strand). Cytogenetic location: 6p12.3.
Variant type: Duplication.
Coding change: c.9329dup on transcript NM_138694.4 (MANE Select); coding-DNA position 9329, one base duplicated (A; older notation c.9329dupA).
Protein change: p.Cys3111fs; shifts the reading frame from cysteine 3111.
Molecular consequence: frameshift variant.
Genome position (GRCh38, 1-based): chr6:51,748,287, T duplicated on the plus strand (A on the coding strand, the reverse complement: PKHD1 is on the minus strand); the first of 2 consecutive T bases (chr6:51,748,287-51,748,288); duplicating either gives the same sequence. VCF-style (leftmost placement, unchanged base first): chr6-51748286-C-CT. GRCh37 (hg19) VCF-style: chr6-51613084-C-CT.
Other names: c.9329dup, p.Cys3111fs (NM_170724.3); short protein forms C3111fs.
Identifiers: ClinVar variation 2035027 (VCV002035027.4), dbSNP rs2533819887, ClinGen allele CA2580075447.

ClinVar aggregate classification (germline): Pathogenic (1 of 4 stars; one submission).

Conditions:
Autosomal recessive polycystic kidney disease (ARPKD). Also called: AR polycystic kidney disease. Identifiers: Orphanet 731, Orphanet 8378, MedGen C0085548, MeSH D017044, MONDO:0009889.

Submission:

Labcorp Genetics (formerly Invitae), Labcorp
Classification: Pathogenic for Autosomal recessive polycystic kidney disease. Last evaluated: 2022-10-10. Review status: criteria provided, single submitter. Criteria: Invitae Variant Classification Sherloc (09022015). Collection method: clinical testing. Allele origin: germline.
Comment: For these reasons, this variant has been classified as Pathogenic. This variant has not been reported in the literature in individuals affected with PKHD1-related conditions. This variant is not present in population databases (gnomAD no frequency). This sequence change creates a premature translational stop signal (p.Cys3111Valfs*5) in the PKHD1 gene. It is expected to result in an absent or disrupted protein product. Loss-of-function variants in PKHD1 are known to be pathogenic (PMID: 19940839).

Literature cited by the submitters: PubMed 19940839.